The following is an entry in ClinVar:

ClinVar aggregate classification (germline): Uncertain significance (1 of 4 stars; one submission).

Submission:

GeneDx
Classification: Uncertain significance. Last evaluated: 2025-03-14. Review status: criteria provided, single submitter. Criteria: GeneDx Variant Classification Process June 2021. Collection method: clinical testing. Allele origin: germline. Affected: yes.
Comment: Not observed at significant frequency in large population cohorts (gnomAD); In silico analysis supports that this missense variant has a deleterious effect on protein structure/function; Has not been previously published as pathogenic or benign to our knowledge

NM_004519.4(KCNQ3):c.1856T>A (p.Met619Lys)

Gene: KCNQ3 (potassium voltage-gated channel subfamily Q member 3; minus strand). Cytogenetic location: 8q24.22.
Variant type: single nucleotide variant.
Coding change: c.1856T>A on transcript NM_004519.4 (MANE Select); coding-DNA position 1856, T replaced by A.
Protein change: p.Met619Lys; replaces methionine 619 with lysine.
Molecular consequence: missense variant.
Genome position (GRCh38, 1-based): chr8:132,132,208, A>T on the plus strand (T>A on the coding strand, the complement: KCNQ3 is on the minus strand). VCF-style: chr8-132132208-A-T. GRCh37 (hg19) VCF-style: chr8-133144455-A-T.
Other names: c.1496T>A, p.Met499Lys (NM_001204824.2); short protein forms M499K, M619K.
Identifiers: ClinVar variation 4086628 (VCV004086628.1).